The following is an entry in ClinVar:

NM_144596.4(TTC8):c.181A>G (p.Met61Val)

Gene: TTC8 (tetratricopeptide repeat domain 8; plus strand). Cytogenetic location: 14q31.3.
Variant type: single nucleotide variant.
Coding change: c.181A>G on transcript NM_144596.4 (MANE Select); coding-DNA position 181, A replaced by G.
Protein change: p.Met61Val; replaces methionine 61 with valine.
Molecular consequence: missense variant. On other transcripts: 5 prime UTR variant (2), non-coding transcript variant (1).
Genome position (GRCh38, 1-based): chr14:88,839,488, A>G. VCF-style: chr14-88839488-A-G. GRCh37 (hg19) VCF-style: chr14-89305832-A-G.
Other names: c.181A>G (NM_144596.3); c.151A>G, p.Met51Val (NM_001288781.1, NM_001366535.2, NM_001366536.2 and 2 more transcripts); c.-412A>G (NM_001288782.1); c.-507A>G (NM_001288783.1); short protein forms M61V, M51V.
Identifiers: ClinVar variation 4922816 (VCV004922816.2).

ClinVar aggregate classification (germline): Uncertain significance. Review status: criteria provided, multiple submitters, no conflicts (2 of 4 stars). 2 submissions from 2 submitters: Uncertain significance (2). Last evaluated 2025-08-03.

Conditions:
TTC8-related disorder. Also called: TTC8-related condition.

gnomAD v4.1: 5 of 1,613,278 alleles (0.00031%); highest among the groups gnomAD compares: East Asian, 0.0067%; no homozygotes.

Submissions (2):

PreventionGenetics, part of Exact Sciences
Classification: Uncertain significance for TTC8-related condition. Last evaluated: 2025-08-03. Review status: criteria provided, single submitter. Criteria: ACMG Guidelines, 2015. Collection method: clinical testing. Allele origin: germline.
Comment: The TTC8 c.181A>G variant is predicted to result in the amino acid substitution p.Met61Val. To our knowledge, this variant has not been reported in the literature. This variant is reported in 0.011% of alleles in individuals of East Asian descent in gnomAD. At this time, the clinical significance of this variant is uncertain due to the absence of conclusive functional and genetic evidence.

Blueprint Genetics
Classification: Uncertain significance. Last evaluated: 2022-05-05. Review status: criteria provided, single submitter. Criteria: ACMG Guidelines, 2015. Collection method: clinical testing. Allele origin: germline.